The following is an entry in ClinVar:

NM_019066.5(MAGEL2):c.644C>T (p.Pro215Leu)

Gene: MAGEL2 (MAGE family member L2; minus strand). Cytogenetic location: 15q11.2.
Variant type: single nucleotide variant.
Coding change: c.644C>T on transcript NM_019066.5 (MANE Select); coding-DNA position 644, C replaced by T.
Protein change: p.Pro215Leu; replaces proline 215 with leucine.
Molecular consequence: missense variant.
Genome position (GRCh38, 1-based): chr15:23,647,099, G>A on the plus strand (C>T on the coding strand, the complement: MAGEL2 is on the minus strand). VCF-style: chr15-23647099-G-A. GRCh37 (hg19) VCF-style: chr15-23892246-G-A.
Other names: short protein forms P215L.
Identifiers: ClinVar variation 2634669 (VCV002634669.5), dbSNP rs963784720, ClinGen allele CA267661256.

ClinVar aggregate classification (germline): Uncertain significance. Review status: criteria provided, multiple submitters, no conflicts (2 of 4 stars). 2 submissions from 2 submitters: Uncertain significance (2). Last evaluated 2026-04-04.

Conditions:
MAGEL2-related disorder. Also called: MAGEL2-related condition.

Submissions (2):

PreventionGenetics, part of Exact Sciences
Classification: Uncertain significance for MAGEL2-related condition. Last evaluated: 2026-04-04. Review status: criteria provided, single submitter. Criteria: ACMG Guidelines, 2015. Collection method: clinical testing. Allele origin: germline.
Comment: The MAGEL2 c.644C>T variant is predicted to result in the amino acid substitution p.Pro215Leu. To our knowledge, this variant has not been reported in the literature. This variant is reported in 0.0018% of alleles in individuals of European (Non-Finnish) descent in gnomAD. At this time, the clinical significance of this variant is uncertain due to the absence of conclusive functional and genetic evidence.

Labcorp Genetics (formerly Invitae), Labcorp
Classification: Uncertain significance. Last evaluated: 2023-12-20. Review status: criteria provided, single submitter. Criteria: Invitae Variant Classification Sherloc (09022015). Collection method: clinical testing. Allele origin: germline.
Comment: This sequence change replaces proline, which is neutral and non-polar, with leucine, which is neutral and non-polar, at codon 215 of the MAGEL2 protein (p.Pro215Leu). This variant is present in population databases (no rsID available, gnomAD 0.002%). This variant has not been reported in the literature in individuals affected with MAGEL2-related conditions. ClinVar contains an entry for this variant (Variation ID: 2634669). Experimental studies and prediction algorithms are not available or were not evaluated, and the functional significance of this variant is currently unknown. In summary, the available evidence is currently insufficient to determine the role of this variant in disease. Therefore, it has been classified as a Variant of Uncertain Significance.